The following is an entry in ClinVar:

ClinVar aggregate classification (germline): Likely benign. Review status: criteria provided, multiple submitters, no conflicts (2 of 4 stars). 2 submissions from 2 submitters: Likely benign (2). Last evaluated 2026-01-12.

Conditions:
Leukocyte adhesion deficiency 3. Also called: Leukocyte adhesion deficiency, type III; INTEGRIN ACTIVATION DEFICIENCY DISEASE; LEUKOCYTE ADHESION DEFICIENCY 1 VARIANT. Identifiers: Orphanet 2968, Orphanet 99844, MedGen C2748536, MONDO:0013016, OMIM 612840.

Allele frequency attached by ClinVar (database versions not stated): TOPMed 0.00002; gnomAD 0.00003; gnomAD exomes 0.00008; ExAC 0.00012.
gnomAD v4.1: 76 of 1,613,912 alleles (0.0047%); highest among the groups gnomAD compares: Non-Finnish European, 0.0053%; no homozygotes.

Submissions (2):

Labcorp Genetics (formerly Invitae), Labcorp
Classification: Likely benign for Leukocyte adhesion deficiency 3. Last evaluated: 2026-01-12. Review status: criteria provided, single submitter. Criteria: Invitae Variant Classification Sherloc (09022015). Collection method: clinical testing. Allele origin: germline.

CeGaT Center for Human Genetics Tuebingen
Classification: Likely benign. Last evaluated: 2025-07-01. Review status: criteria provided, single submitter. Criteria: CeGaT Center For Human Genetics Tuebingen Variant Classification Criteria Version 2. Collection method: clinical testing. Allele origin: germline. Affected: yes. Observed: 1 variant allele.
Comment: FERMT3: BP4, BP7

NM_031471.6(FERMT3):c.1821C>T (p.Ile607=)

Gene: FERMT3 (FERM domain containing kindlin 3; plus strand). Cytogenetic location: 11q13.1.
Variant type: single nucleotide variant.
Coding change: c.1821C>T on transcript NM_031471.6 (MANE Select); coding-DNA position 1821, C replaced by T.
Protein change: p.Ile607=; no amino-acid change (isoleucine 607 retained).
Molecular consequence: synonymous variant.
Genome position (GRCh38, 1-based): chr11:64,223,321, C>T. VCF-style: chr11-64223321-C-T. GRCh37 (hg19) VCF-style: chr11-63990793-C-T.
Other names: c.1821C>T, p.Ile607= (NM_001382361.1, NM_001382448.1); c.1833C>T, p.Ile611= (NM_001382362.1, NM_178443.3); c.1281C>T, p.Ile427= (NM_001382363.1); c.1293C>T, p.Ile431= (NM_001382364.1).
Identifiers: ClinVar variation 1125914 (VCV001125914.17), dbSNP rs779453227, ClinGen allele CA6069304.
Genomic context (GRCh38, chr11:64,223,321, plus strand): 5'-AGGGGCTGCTCCCTTATCCCACCCACCATTTGCCCCTCTGTCTGCCCTTCAGGTGGCCAT[C>T]GAGTTTGATGAACACATCAATGTGGCCTTCAGCTGCGTGTCTGCCAGCTGCCGAATTGTA-3'
Protein context (NP_113659.3, residues 597-617): NVNWDIRQVA[Ile607=]EFDEHINVAF